The following is an entry in ClinVar:

NM_000222.3(KIT):c.620-3T>G

Gene: KIT (KIT proto-oncogene, receptor tyrosine kinase; plus strand). Cytogenetic location: 4q12.
Variant type: single nucleotide variant.
Coding change: c.620-3T>G on transcript NM_000222.3 (MANE Select); 3 bases into the intron before coding-DNA position 620, T replaced by G.
Molecular consequence: intron variant.
Genome position (GRCh38, 1-based): chr4:54,699,627, T>G. VCF-style: chr4-54699627-T-G. GRCh37 (hg19) VCF-style: chr4-55565793-T-G.
Other names: c.620-3T>G (NM_001385284.1, NM_001385290.1, NM_001385288.1 and 4 more transcripts).
Identifiers: ClinVar variation 3721983 (VCV003721983.2).

ClinVar aggregate classification (germline): Uncertain significance (1 of 4 stars; one submission).

Conditions:
Gastrointestinal stromal tumor. Also called: Gastrointestinal stromal tumor, somatic; Gastrointestinal stroma tumor. Identifiers: Orphanet 44890, MedGen C0238198, MeSH D046152, MONDO:0011719, OMIM 606764, HP:0100723.

Submission:

Labcorp Genetics (formerly Invitae), Labcorp
Classification: Uncertain significance for Gastrointestinal stromal tumor. Last evaluated: 2024-10-01. Review status: criteria provided, single submitter. Criteria: Invitae Variant Classification Sherloc (09022015). Collection method: clinical testing. Allele origin: germline.
Comment: This sequence change falls in intron 3 of the KIT gene. It does not directly change the encoded amino acid sequence of the KIT protein. It affects a nucleotide within the consensus splice site. This variant is not present in population databases (gnomAD no frequency). This variant has not been reported in the literature in individuals affected with KIT-related conditions. Variants that disrupt the consensus splice site are a relatively common cause of aberrant splicing (PMID: 17576681, 9536098). Algorithms developed to predict the effect of sequence changes on RNA splicing suggest that this variant may disrupt the consensus splice site. In summary, the available evidence is currently insufficient to determine the role of this variant in disease. Therefore, it has been classified as a Variant of Uncertain Significance.

Literature cited by the submitters: PubMed 17576681; PubMed 9536098.